The following is an entry in ClinVar:

NM_001077350.3(NPRL3):c.629+1G>T

Genes: HBA-LCR (alpha-globin locus control region; plus strand), NPRL3 (NPR3 like, GATOR1 complex subunit; minus strand). Cytogenetic location: 16p13.3.
Variant type: single nucleotide variant.
Coding change: c.629+1G>T on transcript NM_001077350.3 (MANE Select); the canonical splice donor site of the intron after coding-DNA position 629, G replaced by T.
Molecular consequence: splice donor variant.
Genome position (GRCh38, 1-based): chr16:110,524, C>A on the plus strand (G>T on the coding strand, the complement: NPRL3 is on the minus strand). VCF-style: chr16-110524-C-A. GRCh37 (hg19) VCF-style: chr16-160522-C-A.
Other names: c.395+1G>T (NM_001243247.2); c.554+1G>T (NM_001243248.2, NM_001243249.2); c.92+1G>T (NM_001039476.3).
Identifiers: ClinVar variation 1489034 (VCV001489034.6), dbSNP rs2141946055, ClinGen allele CA393992643.

ClinVar aggregate classification (germline): Likely pathogenic (1 of 4 stars; one submission).

Conditions:
Epilepsy, familial focal, with variable foci 3 (FFEVF3). Identifiers: MedGen C4310708, MONDO:0014925, OMIM 617118.

Submission:

Labcorp Genetics (formerly Invitae), Labcorp
Classification: Likely pathogenic for Epilepsy, familial focal, with variable foci 3. Last evaluated: 2021-08-02. Review status: criteria provided, single submitter. Criteria: Invitae Variant Classification Sherloc (09022015). Collection method: clinical testing. Allele origin: germline.
Comment: This sequence change affects a donor splice site in intron 7 of the NPRL3 gene. It is expected to disrupt RNA splicing. Variants that disrupt the donor or acceptor splice site typically lead to a loss of protein function (PMID: 16199547), and loss-of-function variants in NPRL3 are known to be pathogenic (PMID: 26285051, 26505888). In summary, the currently available evidence indicates that the variant is pathogenic, but additional data are needed to prove that conclusively. Therefore, this variant has been classified as Likely Pathogenic. Disruption of this splice site has been observed in individual(s) with clinical features of NPRL3-related conditions (Invitae). This variant is not present in population databases (ExAC no frequency).

Literature cited by the submitters: PubMed 16199547; PubMed 26285051; PubMed 26505888.